The following is an entry in ClinVar:

NM_000454.5(SOD1):c.*273_*276del

Gene: SOD1 (superoxide dismutase 1; plus strand). Cytogenetic location: 21q22.11.
Variant type: Deletion.
Coding change: c.*273_*276del on transcript NM_000454.5 (MANE Select); 273 bases downstream of the stop codon through 276 bases downstream of the stop codon, 4 bases deleted (CTTT; older notation c.*273_*276delCTTT).
Molecular consequence: 3 prime UTR variant.
Genome position (GRCh38, 1-based): chr21:31,668,851-31,668,854, CTTT deleted; deleting any 4 consecutive bases within chr21:31,668,848-31,668,854 gives the same sequence; the c. name uses the placement nearest the transcript's 3' end. VCF-style (leftmost placement, unchanged base first): chr21-31668847-ATTTC-A. GRCh37 (hg19) VCF-style: chr21-33041160-ATTTC-A.
Identifiers: ClinVar variation 1514037 (VCV001514037.8), dbSNP rs906761540, ClinGen allele CA319335491.

ClinVar aggregate classification (germline): Uncertain significance (1 of 4 stars; one submission).

Conditions:
Amyotrophic lateral sclerosis type 1 (ALS1). Also called: AMYOTROPHIC LATERAL SCLEROSIS 1, FAMILIAL. Identifiers: Orphanet 803, MedGen C1862939, MONDO:0007103, OMIM 105400.

Submission:

Labcorp Genetics (formerly Invitae), Labcorp
Classification: Uncertain significance for Amyotrophic lateral sclerosis type 1. Last evaluated: 2022-07-19. Review status: criteria provided, single submitter. Criteria: Invitae Variant Classification Sherloc (09022015). Collection method: clinical testing. Allele origin: germline.
Comment: In summary, the available evidence is currently insufficient to determine the role of this variant in disease. Therefore, it has been classified as a Variant of Uncertain Significance. This variant occurs in a non-coding region of the SOD1 gene. It does not change the encoded amino acid sequence of the SOD1 protein. This variant is present in population databases (no rsID available, gnomAD 0.01%). This variant has been observed in individual(s) with motor neuron disease (PMID: 9462467). This variant is also known as del nt.816_819. ClinVar contains an entry for this variant (Variation ID: 1514037). Experimental studies and prediction algorithms are not available or were not evaluated, and the functional significance of this variant is currently unknown.

Literature cited by the submitters: PubMed 9462467.